The following is an entry in ClinVar:

NM_001035.3(RYR2):c.3374A>G (p.Asp1125Gly)

Gene: RYR2 (ryanodine receptor 2; plus strand). Cytogenetic location: 1q43.
Variant type: single nucleotide variant.
Coding change: c.3374A>G on transcript NM_001035.3 (MANE Select); coding-DNA position 3374, A replaced by G.
Protein change: p.Asp1125Gly; replaces aspartic acid 1125 with glycine.
Molecular consequence: missense variant.
Genome position (GRCh38, 1-based): chr1:237,566,726, A>G. VCF-style: chr1-237566726-A-G. GRCh37 (hg19) VCF-style: chr1-237730026-A-G.
Other names: short protein forms D1125G.
Identifiers: ClinVar variation 3893728 (VCV003893728.1).

ClinVar aggregate classification (germline): Uncertain significance (1 of 4 stars; one submission).

Conditions:
Cardiomyopathy (CMYO). Also called: Cardiomyopathies. Identifiers: Orphanet 167848, MedGen C0878544, MONDO:0004994, HP:0001638. Inheritance: Various modes of inheritance.

Submission:

Color Diagnostics, LLC DBA Color Health
Classification: Uncertain significance for Cardiomyopathy. Last evaluated: 2024-03-31. Review status: criteria provided, single submitter. Criteria: ACMG Guidelines, 2015. Collection method: clinical testing. Allele origin: germline.
Comment: This missense variant replaces aspartic acid with glycine at codon 1125 of the RYR2 protein. Computational prediction suggests that this variant may not impact protein structure and function (internally defined REVEL score threshold <= 0.5, PMID: 27666373). To our knowledge, functional studies have not been reported for this variant. This variant has not been reported in individuals affected with RYR2-related disorders in the literature. This variant has not been identified in the general population by the Genome Aggregation Database (gnomAD). The available evidence is insufficient to determine the role of this variant in disease conclusively. Therefore, this variant is classified as a Variant of Uncertain Significance.